The following is an entry in ClinVar:

ClinVar aggregate classification (germline): Uncertain significance (1 of 4 stars; one submission).

Conditions:
Stormorken syndrome (STRMK). Also called: THROMBOCYTOPATHY, ASPLENIA, AND MIOSIS. Identifiers: Orphanet 3204, MedGen C1861451, MONDO:0008497, OMIM 185070.
Myopathy with tubular aggregates (TAM). Also called: Tubular Aggregate Myopathy. Identifiers: Orphanet 2593, MedGen C0410207, MONDO:0008051.
Combined immunodeficiency due to STIM1 deficiency. Also called: IMMUNODEFICIENCY 10; STIM1 DEFICIENCY. Identifiers: Orphanet 169090, Orphanet 317430, MedGen C2748557, MONDO:0013008, OMIM 612783.

Allele frequency attached by ClinVar (database versions not stated): gnomAD exomes 0.00001; ExAC 0.00003.
gnomAD v4.1: 3 of 1,608,064 alleles (0.00019%); highest among the groups gnomAD compares: Admixed American, 0.005%; no homozygotes.

Submission:

Labcorp Genetics (formerly Invitae), Labcorp
Classification: Uncertain significance for Myopathy with tubular aggregates; Combined immunodeficiency due to STIM1 deficiency; Stormorken syndrome. Last evaluated: 2024-02-25. Review status: criteria provided, single submitter. Criteria: Invitae Variant Classification Sherloc (09022015). Collection method: clinical testing. Allele origin: germline.
Comment: This sequence change replaces isoleucine, which is neutral and non-polar, with phenylalanine, which is neutral and non-polar, at codon 678 of the STIM1 protein (p.Ile678Phe). This variant is present in population databases (rs747118337, gnomAD 0.009%). This variant has not been reported in the literature in individuals affected with STIM1-related conditions. ClinVar contains an entry for this variant (Variation ID: 1359954). Advanced modeling of protein sequence and biophysical properties (such as structural, functional, and spatial information, amino acid conservation, physicochemical variation, residue mobility, and thermodynamic stability) has been performed at Invitae for this missense variant, however the output from this modeling did not meet the statistical confidence thresholds required to predict the impact of this variant on STIM1 protein function. In summary, the available evidence is currently insufficient to determine the role of this variant in disease. Therefore, it has been classified as a Variant of Uncertain Significance.

NM_001382567.1(STIM1):c.2125A>T (p.Ile709Phe)

Gene: STIM1 (stromal interaction molecule 1; plus strand). Cytogenetic location: 11p15.4.
Variant type: single nucleotide variant.
Coding change: c.2125A>T on transcript NM_001382567.1 (MANE Select); coding-DNA position 2125, A replaced by T.
Protein change: p.Ile709Phe; replaces isoleucine 709 with phenylalanine.
Molecular consequence: missense variant. On other transcripts: 3 prime UTR variant (4), non-coding transcript variant (3).
Genome position (GRCh38, 1-based): chr11:4,091,772, A>T. VCF-style: chr11-4091772-A-T. GRCh37 (hg19) VCF-style: chr11-4113002-A-T.
Other names: c.2350A>T, p.Ile784Phe (NM_001277961.3); c.*446A>T (NM_001277962.2, NM_001382578.1, NM_001382579.1 and 1 more transcripts); c.2128A>T, p.Ile710Phe (NM_001382566.1); c.2053A>T, p.Ile685Phe (NM_001382568.1); c.1897A>T, p.Ile633Phe (NM_001382569.1); c.1804A>T, p.Ile602Phe (NM_001382570.1); c.1552A>T, p.Ile518Phe (NM_001382571.1); c.1810A>T, p.Ile604Phe (NM_001382575.1, NM_001382576.1, NM_001382577.1); and 2 more; short protein forms I678F, I685F, I515F, I518F, I602F, I604F, I633F, I709F.
Identifiers: ClinVar variation 1359954 (VCV001359954.8), dbSNP rs747118337, ClinGen allele CA5830673.